The following is an entry in ClinVar:

ClinVar aggregate classification (germline): Conflicting classifications of pathogenicity. Review status: criteria provided, conflicting classifications (1 of 4 stars). 5 submissions from 5 submitters: Uncertain significance (1); Likely benign (4). Last evaluated 2026-02-26.

Conditions:
Mucopolysaccharidosis, MPS-III-A (MPS3A). Also called: MUCOPOLYSACCHARIDOSIS, TYPE IIIA, ATTENUATED; Mucopolysaccharidosis type IIIA (Sanfilippo A); mucopolysaccharidosis type 3A; MPS IIIA (Sanfilippo Syndrome Type A); MPS III A; HEPARAN SULFATE SULFATASE DEFICIENCY. Identifiers: Orphanet 581, Orphanet 79269, MedGen C0086647, MONDO:0009655, OMIM 252900.
SGSH-related disorder. Also called: SGSH-related condition.

Allele frequency attached by ClinVar (database versions not stated): ExAC 0.00001; gnomAD exomes 0.00001 and 0.00004; TOPMed 0.00003; gnomAD 0.00004 and 0.00003.
gnomAD v4.1: 69 of 1,614,030 alleles (0.0043%); highest among the groups gnomAD compares: Middle Eastern, 0.033%; no homozygotes.

Submissions (5):

PreventionGenetics, part of Exact Sciences
Classification: Likely benign for SGSH-related condition. Last evaluated: 2026-02-26. Review status: criteria provided, single submitter. Criteria: ACMG Guidelines, 2015. Collection method: clinical testing. Allele origin: germline.
Comment: This variant is classified as likely benign based on ACMG/AMP sequence variant interpretation guidelines (Richards et al. 2015 PMID: 25741868, with internal and published modifications).

Labcorp Genetics (formerly Invitae), Labcorp
Classification: Likely benign for Mucopolysaccharidosis, MPS-III-A. Last evaluated: 2026-01-21. Review status: criteria provided, single submitter. Criteria: Invitae Variant Classification Sherloc (09022015). Collection method: clinical testing. Allele origin: germline.

Blueprint Genetics
Classification: Likely benign. Last evaluated: 2024-06-19. Review status: criteria provided, single submitter. Criteria: ACMG Guidelines, 2015. Collection method: clinical testing. Allele origin: germline.

Genome-Nilou Lab
Classification: Likely benign for Mucopolysaccharidosis, MPS-III-A. Last evaluated: 2021-11-07. Review status: criteria provided, single submitter. Criteria: ACMG Guidelines, 2015. Collection method: clinical testing. Allele origin: germline. Affected: no.

Illumina Laboratory Services, Illumina
Classification: Uncertain significance for Mucopolysaccharidosis, MPS-III-A. Last evaluated: 2018-01-12. Review status: criteria provided, single submitter. Criteria: ICSL Variant Classification Criteria 13 December 2019. Collection method: clinical testing. Allele origin: germline.

NM_000199.5(SGSH):c.1134C>T (p.Ser378=)

Gene: SGSH (N-sulfoglucosamine sulfohydrolase; minus strand). Cytogenetic location: 17q25.3.
Variant type: single nucleotide variant.
Coding change: c.1134C>T on transcript NM_000199.5 (MANE Select); coding-DNA position 1134, C replaced by T.
Protein change: p.Ser378=; no amino-acid change (serine 378 retained).
Molecular consequence: synonymous variant. On other transcripts: 3 prime UTR variant (2), non-coding transcript variant (1).
Genome position (GRCh38, 1-based): chr17:80,210,827, G>A on the plus strand (C>T on the coding strand, the complement: SGSH is on the minus strand). VCF-style: chr17-80210827-G-A. GRCh37 (hg19) VCF-style: chr17-78184626-G-A.
Other names: c.*221C>T (NM_001352921.3); c.*184C>T (NM_001352922.2).
Identifiers: ClinVar variation 325833 (VCV000325833.20), dbSNP rs771257931, ClinGen allele CA8817666.